The following is an entry in ClinVar:

NC_000016.9:g.(?_7383003)_(7680705_?)del

Gene: RBFOX1 (RNA binding fox-1 homolog 1; plus strand). Cytogenetic location: 16p13.3.
Variant type: Deletion.
Identifiers: ClinVar variation 2427342 (VCV002427342.5).

ClinVar aggregate classification (germline): Uncertain significance (1 of 4 stars; one submission).

Conditions:
Idiopathic generalized epilepsy. Also called: Generalised epilepsy; EIG. Identifiers: MedGen C0270850, MONDO:0005579, OMIM 600669.

Submission:

Labcorp Genetics (formerly Invitae), Labcorp
Classification: Uncertain significance for Idiopathic generalized epilepsy. Last evaluated: 2022-06-16. Review status: criteria provided, single submitter. Criteria: Invitae Variant Classification Sherloc (09022015). Collection method: clinical testing. Allele origin: germline.
Comment: In summary, the available evidence is currently insufficient to determine the role of this variant in disease. Therefore, it has been classified as a Variant of Uncertain Significance. This variant has not been reported in the literature in individuals affected with RBFOX1-related conditions. This variant is a gross deletion of the genomic region encompassing exon(s) 1-8 of the RBFOX1 gene, which includes the initiator codon. This deletion extends beyond the assayed region for this gene and therefore may encompass additional genes. It is expected to result in an absent or disrupted protein product. However, the current clinical and genetic evidence is not sufficient to establish whether loss-of-function variants in RBFOX1 cause disease.